The following is an entry in ClinVar:

ClinVar aggregate classification (germline): Uncertain significance (1 of 4 stars; one submission).

Allele frequency attached by ClinVar (database versions not stated): gnomAD exomes 0.00001; gnomAD 0.00002.
gnomAD v4.1: 15 of 1,580,116 alleles (0.00095%); highest among the groups gnomAD compares: African/African-American, 0.0068%; no homozygotes.

Submission:

Labcorp Genetics (formerly Invitae), Labcorp
Classification: Uncertain significance. Last evaluated: 2022-07-12. Review status: criteria provided, single submitter. Criteria: Invitae Variant Classification Sherloc (09022015). Collection method: clinical testing. Allele origin: germline.
Comment: This sequence change falls in intron 12 of the SEC24D gene. It does not directly change the encoded amino acid sequence of the SEC24D protein. It affects a nucleotide within the consensus splice site. This variant is not present in population databases (gnomAD no frequency). This variant has not been reported in the literature in individuals affected with SEC24D-related conditions. Variants that disrupt the consensus splice site are a relatively common cause of aberrant splicing (PMID: 17576681, 9536098). Algorithms developed to predict the effect of sequence changes on RNA splicing suggest that this variant is not likely to affect RNA splicing. In summary, the available evidence is currently insufficient to determine the role of this variant in disease. Therefore, it has been classified as a Variant of Uncertain Significance.

Literature cited by the submitters: PubMed 17576681; PubMed 9536098.

NM_014822.4(SEC24D):c.1614-3T>C

Gene: SEC24D (SEC24 homolog D, COPII coat complex component; minus strand). Cytogenetic location: 4q26.
Variant type: single nucleotide variant.
Coding change: c.1614-3T>C on transcript NM_014822.4 (MANE Select); 3 bases into the intron before coding-DNA position 1614, T replaced by C.
Molecular consequence: intron variant.
Genome position (GRCh38, 1-based): chr4:118,752,092, A>G on the plus strand (T>C on the coding strand, the complement: SEC24D is on the minus strand). VCF-style: chr4-118752092-A-G. GRCh37 (hg19) VCF-style: chr4-119673247-A-G.
Other names: c.1617-3T>C (NM_001318066.2).
Identifiers: ClinVar variation 1928762 (VCV001928762.2), dbSNP rs1056305142, ClinGen allele CA104657999.
Genomic context (GRCh38, chr4:118,752,092, plus strand): 5'-AAAGACAGTCTCATTTTCATTAGAGTCTGCAAACATGTCTGGAATCTGGTCCAACAAACT[A>G]TAAGACATGAGTAAGCAAAAGGTTTGAAATGTTTAGCATATTTTAATAAACTTCAAGCAA-3'